The following is an entry in ClinVar:

NM_001267550.2(TTN):c.79028C>T (p.Thr26343Ile)

Genes: TTN (titin; minus strand), TTN-AS1 (TTN antisense RNA 1; plus strand). Cytogenetic location: 2q31.2.
Variant type: single nucleotide variant.
Coding change: c.79028C>T on transcript NM_001267550.2 (MANE Select); coding-DNA position 79028, C replaced by T.
Protein change: p.Thr26343Ile; replaces threonine 26343 with isoleucine.
Molecular consequence: missense variant.
Genome position (GRCh38, 1-based): chr2:178,567,104, G>A on the plus strand (C>T on the coding strand, the complement: TTN is on the minus strand). VCF-style: chr2-178567104-G-A. GRCh37 (hg19) VCF-style: chr2-179431831-G-A.
Other names: c.74105C>T, p.Thr24702Ile (NM_001256850.1); c.51833C>T, p.Thr17278Ile (NM_003319.4); c.71324C>T, p.Thr23775Ile (NM_133378.4); c.52208C>T, p.Thr17403Ile (NM_133432.3); c.52409C>T, p.Thr17470Ile (NM_133437.4); short protein forms T17278I, T17403I, T17470I, T23775I, T24702I, T26343I.
Identifiers: ClinVar variation 2691575 (VCV002691575.2), dbSNP rs765936549, ClinGen allele CA1989535.

ClinVar aggregate classification (germline): Uncertain significance. Review status: criteria provided, multiple submitters, no conflicts (2 of 4 stars). 2 submissions from 2 submitters: Uncertain significance (2). Last evaluated 2026-07-10.

Conditions:
TTN-related disorder. Also called: TTN-related disorders; TTN-related condition; TTN-related disease.

Allele frequency attached by ClinVar (database versions not stated): TOPMed 0.00001; ExAC 0.00002; gnomAD 0.00003; gnomAD exomes 0.00005.
gnomAD v4.1: 68 of 1,613,388 alleles (0.0042%); highest among the groups gnomAD compares: Non-Finnish European, 0.0057%; no homozygotes.

Submissions (2):

PreventionGenetics, part of Exact Sciences
Classification: Uncertain significance for TTN-related condition. Last evaluated: 2026-07-10. Review status: criteria provided, single submitter. Criteria: ACMG Guidelines, 2015. Collection method: clinical testing. Allele origin: germline.
Comment: The TTN c.79028C>T variant is predicted to result in the amino acid substitution p.Thr26343Ile. To our knowledge, this variant has not been reported in the literature. This variant is reported in 0.0016% of alleles in individuals of European (Non-Finnish) descent in gnomAD. At this time, the clinical significance of this variant is uncertain due to the absence of conclusive functional and genetic evidence.

Women's Health and Genetics/Laboratory Corporation of America, LabCorp
Classification: Uncertain significance. Last evaluated: 2023-12-10. Review status: criteria provided, single submitter. Criteria: LabCorp Variant Classification Summary - May 2015. Collection method: clinical testing. Allele origin: germline.